The following is an entry in ClinVar:

NM_012193.4(FZD4):c.*764T>C

Genes: FZD4 (frizzled class receptor 4; minus strand), PRSS23 (serine protease 23; plus strand). Cytogenetic location: 11q14.2.
Variant type: single nucleotide variant.
Coding change: c.*764T>C on transcript NM_012193.4 (MANE Select); 764 bases downstream of the stop codon, T replaced by C.
Molecular consequence: 3 prime UTR variant. On other transcripts: non-coding transcript variant (1).
Genome position (GRCh38, 1-based): chr11:86,950,378, A>G on the plus strand (T>C on the coding strand, the complement: FZD4 is on the minus strand). VCF-style: chr11-86950378-A-G. GRCh37 (hg19) VCF-style: chr11-86661420-A-G.
Identifiers: ClinVar variation 306392 (VCV000306392.5), dbSNP rs145679440, ClinGen allele CA10635831.
Genomic context (GRCh38, chr11:86,950,378, plus strand): 5'-TCAGAAAGTGAATCACCCTTCCTTTTCCCCTCTTTAAGCATGCTGCAGTACAAAAATTCT[A>G]TAAAAATACCTTTTTTGAGTCATTAACATAAAATGAAGAAAACAGCAGCAGCCAAGAAGA-3'

ClinVar aggregate classification (germline): Benign (1 of 4 stars; one submission).

Conditions:
Exudative vitreoretinopathy 1 (EVR1). Also called: CRISWICK-SCHEPENS SYNDROME; FEVR, AUTOSOMAL DOMINANT; Familial exudative vitreoretinopathy, autosomal dominant. Identifiers: Orphanet 891, Orphanet 90050, MedGen C1851402, MONDO:0007589, OMIM 133780.

Allele frequency attached by ClinVar (database versions not stated): 1000 Genomes Project 0.00439; 1000 Genomes Project 30x 0.00453; gnomAD 0.00536 and 0.00573; TOPMed 0.00605.

Submission:

Illumina Laboratory Services, Illumina
Classification: Benign for Exudative vitreoretinopathy 1. Last evaluated: 2018-01-13. Review status: criteria provided, single submitter. Criteria: ICSL Variant Classification Criteria 13 December 2019. Collection method: clinical testing. Allele origin: germline.
Comment: This variant was observed in the ICSL laboratory as part of a predisposition screen in an ostensibly healthy population. It had not been previously curated by ICSL or reported in the Human Gene Mutation Database (HGMD: prior to June 1st, 2018), and was therefore a candidate for classification through an automated scoring system. Utilizing variant allele frequency, disease prevalence and penetrance estimates, and inheritance mode, an automated score was calculated to assess if this variant is too frequent to cause the disease. Based on the score and internal cut-off values, a variant classified as benign is not then subjected to further curation. The score for this variant resulted in a classification of benign for this disease.